The following is an entry in ClinVar:

NM_001148.6(ANK2):c.5234C>G (p.Pro1745Arg)

Genes: ANK2 (ankyrin 2; plus strand), LOC126807136 (MED14-independent group 3 enhancer GRCh37_chr4:114274931-114276130; plus strand). Cytogenetic location: 4q26.
Variant type: single nucleotide variant.
Coding change: c.5234C>G on transcript NM_001148.6 (MANE Select); coding-DNA position 5234, C replaced by G.
Protein change: p.Pro1745Arg; replaces proline 1745 with arginine.
Molecular consequence: missense variant. On other transcripts: intron variant (68).
Genome position (GRCh38, 1-based): chr4:113,353,852, C>G. VCF-style: chr4-113353852-C-G. GRCh37 (hg19) VCF-style: chr4-114275008-C-G.
Other names: c.5000C>G, p.Pro1667Arg (NM_001386142.1); c.1634C>G, p.Pro545Arg (NM_001386166.1); c.5375C>G, p.Pro1792Arg (NM_001386174.1); c.5351C>G, p.Pro1784Arg (NM_001386175.1); c.4411+3603C>G (NM_001386186.2, NM_001386148.2); c.4213+3603C>G (NM_001354269.3); c.4291+3603C>G (NM_001386187.2); c.4252+3603C>G (NM_001386147.1); and 35 more; short protein forms P1745R, P1667R, P1784R, P1792R, P545R.
Identifiers: ClinVar variation 519210 (VCV000519210.13), dbSNP rs751038588, ClinGen allele CA3051192.
Genomic context (GRCh38, chr4:113,353,852, plus strand): 5'-AAGCTGAACTTAAAAAAGGTAGTTCAGAAGAGTCATTAGGTGAAGACCCAGGTTTAGCCC[C>G]TGAACCCCTTCCCACTGTCAAGGCCACATCTCCTTTGATAGAAGAAACTCCCATTGGTTC-3'
Protein context (NP_001139.3, residues 1735-1755): ESLGEDPGLA[Pro1745Arg]EPLPTVKATS

ClinVar aggregate classification (germline): Uncertain significance. Review status: criteria provided, multiple submitters, no conflicts (2 of 4 stars). 3 submissions from 3 submitters: Uncertain significance (3). Last evaluated 2024-11-11.

Conditions:
Cardiovascular phenotype. Identifiers: MedGen CN230736.
Long QT syndrome (LQTS). Identifiers: MedGen C0023976, MeSH D008133, MONDO:0002442. Disease mechanism: loss of function. Inheritance: Various modes of inheritance.

Allele frequency attached by ClinVar (database versions not stated): ExAC 0.00001.
gnomAD v4.1: 1 of 1,613,978 alleles (0.000062%); no homozygotes.

Submissions (3):

Labcorp Genetics (formerly Invitae), Labcorp
Classification: Uncertain significance for Long QT syndrome. Last evaluated: 2024-11-11. Review status: criteria provided, single submitter. Criteria: Invitae Variant Classification Sherloc (09022015). Collection method: clinical testing. Allele origin: germline.
Comment: This sequence change replaces proline, which is neutral and non-polar, with arginine, which is basic and polar, at codon 1745 of the ANK2 protein (p.Pro1745Arg). This variant is not present in population databases (gnomAD no frequency). This variant has not been reported in the literature in individuals affected with ANK2-related conditions. ClinVar contains an entry for this variant (Variation ID: 519210). An algorithm developed to predict the effect of missense changes on protein structure and function (PolyPhen-2) suggests that this variant is likely to be disruptive. In summary, the available evidence is currently insufficient to determine the role of this variant in disease. Therefore, it has been classified as a Variant of Uncertain Significance.

GeneDx
Classification: Uncertain significance. Last evaluated: 2024-09-24. Review status: criteria provided, single submitter. Criteria: GeneDx Variant Classification Process June 2021. Collection method: clinical testing. Allele origin: germline.
Comment: Not observed at significant frequency in large population cohorts (gnomAD); Located in exon 38, which is reported as being expressed in a brain-specific transcript (PMID: 1830053, 18790697, 26109584); In silico analysis indicates that this missense variant does not alter protein structure/function; Has not been previously published as pathogenic or benign to our knowledge; This variant is associated with the following publications: (PMID: 1830053, 18790697, 26109584)

Ambry Genetics
Classification: Uncertain significance for Cardiovascular phenotype. Last evaluated: 2017-03-07. Review status: criteria provided, single submitter. Criteria: Ambry Variant Classification Scheme 2023. Collection method: clinical testing. Allele origin: germline.
Comment: The p.P1745R variant (also known as c.5234C>G), located in coding exon 38 of the ANK2 gene, results from a C to G substitution at nucleotide position 5234. This exon is expressed solely in brain (Mohler PJ et al. Circulation, 2007 Jan;115:432-41). The proline at codon 1745 is replaced by arginine, an amino acid with dissimilar properties. This amino acid position is well conserved in available vertebrate species. In addition, the in silico prediction for this alteration is inconclusive. Since supporting evidence is limited at this time, the clinical significance of this alteration remains unclear.